The following is an entry in ClinVar:

NM_000553.6(WRN):c.4217_4222del (p.Arg1406_Leu1407del)

Genes: WRN (WRN RecQ like helicase; plus strand), LOC126860342 (MED14-independent group 3 enhancer GRCh37_chr8:31029565-31030764; plus strand). Cytogenetic location: 8p12.
Variant type: Deletion.
Coding change: c.4217_4222del on transcript NM_000553.6 (MANE Select); coding-DNA positions 4217 to 4222, 6 bases deleted (GATTAC; older notation c.4217_4222delGATTAC).
Protein change: p.Arg1406_Leu1407del.
Molecular consequence: inframe deletion.
Genome position (GRCh38, 1-based): chr8:31,173,020-31,173,025, GATTAC deleted; deleting any 6 consecutive bases within chr8:31,173,018-31,173,025 gives the same sequence; the c. name uses the placement nearest the transcript's 3' end. VCF-style (leftmost placement, unchanged base first): chr8-31173017-GACGATT-G. GRCh37 (hg19) VCF-style: chr8-31030533-GACGATT-G.
Identifiers: ClinVar variation 1504216 (VCV001504216.5), dbSNP rs2130530065, ClinGen allele CA2573142763.
Genomic context (GRCh38, chr8:31,173,017, plus strand): 5'-ACAAAGATTTGATTTCTTTTTCTTTCTATTTCCTACAGACTTCATCTGCAGAGAGAAAGA[GACGATT>G]ACCTGTGTGGTTTGCCAAAGGAAGTGATACCAGCAAGAAATTAATGGACAAAACGAAAAG-3'

ClinVar aggregate classification (germline): Uncertain significance (1 of 4 stars; one submission).

Conditions:
Werner syndrome (WRN). Identifiers: Orphanet 902, MedGen C0043119, MONDO:0010196, OMIM 277700.

Submission:

Labcorp Genetics (formerly Invitae), Labcorp
Classification: Uncertain significance for Werner syndrome. Last evaluated: 2022-08-21. Review status: criteria provided, single submitter. Criteria: Invitae Variant Classification Sherloc (09022015). Collection method: clinical testing. Allele origin: germline.
Comment: In summary, the available evidence is currently insufficient to determine the role of this variant in disease. Therefore, it has been classified as a Variant of Uncertain Significance. Experimental studies and prediction algorithms are not available or were not evaluated, and the functional significance of this variant is currently unknown. ClinVar contains an entry for this variant (Variation ID: 1504216). This variant has not been reported in the literature in individuals affected with WRN-related conditions. This variant is not present in population databases (gnomAD no frequency). This variant, c.4217_4222del, results in the deletion of 2 amino acid(s) of the WRN protein (p.Arg1406_Leu1407del), but otherwise preserves the integrity of the reading frame.